The following is an entry in ClinVar:

ClinVar aggregate classification (germline): Uncertain significance (1 of 4 stars; one submission).

Conditions:
Congenital microvillous atrophy (DIAR2). Also called: Microvillus inclusion disease; Diarrhea 2 with microvillus atrophy, with or without cholestasis; CONGENITAL FAMILIAL PROTRACTED DIARRHEA WITH ENTEROCYTE BRUSH-BORDER ABNORMALITIES; DAVIDSON DISEASE; MICROVILLUS ATROPHY, CONGENITAL. Identifiers: Orphanet 2290, MedGen C0341306, MONDO:0009635, OMIM 251850.

Submission:

MGZ Medical Genetics Center
Classification: Uncertain significance for Congenital microvillous atrophy. Last evaluated: 2021-12-10. Review status: criteria provided, single submitter. Criteria: ACMG Guidelines, 2015. Collection method: clinical testing. Allele origin: germline. Affected: yes. Observed: 1 variant allele.
Comment: ACMG criteria applied: PM2_SUP

NM_001080467.3(MYO5B):c.1015G>C (p.Ala339Pro)

Gene: MYO5B (myosin VB; minus strand). Cytogenetic location: 18q21.1.
Variant type: single nucleotide variant.
Coding change: c.1015G>C on transcript NM_001080467.3 (MANE Select); coding-DNA position 1015, G replaced by C.
Protein change: p.Ala339Pro; replaces alanine 339 with proline.
Molecular consequence: missense variant.
Genome position (GRCh38, 1-based): chr18:49,980,485, C>G on the plus strand (G>C on the coding strand, the complement: MYO5B is on the minus strand). VCF-style: chr18-49980485-C-G. GRCh37 (hg19) VCF-style: chr18-47506855-C-G.
Other names: short protein forms A339P.
Identifiers: ClinVar variation 1709025 (VCV001709025.2), dbSNP rs1393606930, ClinGen allele CA402435001.
Genomic context (GRCh38, chr18:49,980,485, plus strand): 5'-GTGTTGGTGTGCAACTTACTGATATACTACAGGAATCACCATCACGCTCAGCCTGAATCG[C>G]CACACTTCCAAGGTGCAAGATAGAAGCAATTATCTTAAAAATGCTCATCTGATGGGACTC-3'
Protein context (NP_001073936.1, residues 329-349): IASILHLGSV[Ala339Pro]IQAERDGDSC